The following is an entry in ClinVar:

ClinVar aggregate classification (germline): Likely benign. Review status: criteria provided, multiple submitters, no conflicts (2 of 4 stars). 2 submissions from 2 submitters: Likely benign (2). Last evaluated 2026-05-15.

Conditions:
USP53-related disorder. Also called: USP53-related condition.

Allele frequency attached by ClinVar (database versions not stated): gnomAD exomes 0.00001; gnomAD 0.00002; ExAC 0.00003; TOPMed 0.00004.
gnomAD v4.1: 17 of 1,613,784 alleles (0.0011%); highest among the groups gnomAD compares: Admixed American, 0.013%; no homozygotes.

Submissions (2):

PreventionGenetics, part of Exact Sciences
Classification: Likely benign for USP53-related condition. Last evaluated: 2026-05-15. Review status: criteria provided, single submitter. Criteria: ACMG Guidelines, 2015. Collection method: clinical testing. Allele origin: germline.
Comment: This variant is classified as likely benign based on ACMG/AMP sequence variant interpretation guidelines (Richards et al. 2015 PMID: 25741868, with internal and published modifications).

Labcorp Genetics (formerly Invitae), Labcorp
Classification: Likely benign. Last evaluated: 2025-12-15. Review status: criteria provided, single submitter. Criteria: Invitae Variant Classification Sherloc (09022015). Collection method: clinical testing. Allele origin: germline.

NM_001371395.1(USP53):c.1770A>G (p.Thr590=)

Gene: USP53 (ubiquitin specific peptidase 53; plus strand). Cytogenetic location: 4q26.
Variant type: single nucleotide variant.
Coding change: c.1770A>G on transcript NM_001371395.1 (MANE Select); coding-DNA position 1770, A replaced by G.
Protein change: p.Thr590=; no amino-acid change (threonine 590 retained).
Molecular consequence: synonymous variant.
Genome position (GRCh38, 1-based): chr4:119,271,630, A>G. VCF-style: chr4-119271630-A-G. GRCh37 (hg19) VCF-style: chr4-120192785-A-G.
Other names: c.1269A>G, p.Thr423= (NM_001389667.1, NM_001389665.1); c.1770A>G, p.Thr590= (NM_019050.3, NM_001371397.1, NM_001371398.1 and 3 more transcripts); c.1617A>G, p.Thr539= (NM_001371396.1, NM_001389661.1); c.1620A>G, p.Thr540= (NM_001389660.1); c.1422A>G, p.Thr474= (NM_001389662.1, NM_001389663.1, NM_001389664.1 and 1 more transcripts); c.1770A>G (NM_019050.2).
Identifiers: ClinVar variation 2904192 (VCV002904192.4), dbSNP rs781274638, ClinGen allele CA3059224.